The following is an entry in ClinVar:

NM_001369.3(DNAH5):c.1688A>G (p.Gln563Arg)

Gene: DNAH5 (dynein axonemal heavy chain 5; minus strand). Cytogenetic location: 5p15.2.
Variant type: single nucleotide variant.
Coding change: c.1688A>G on transcript NM_001369.3 (MANE Select); coding-DNA position 1688, A replaced by G.
Protein change: p.Gln563Arg; replaces glutamine 563 with arginine.
Molecular consequence: missense variant.
Genome position (GRCh38, 1-based): chr5:13,902,095, T>C on the plus strand (A>G on the coding strand, the complement: DNAH5 is on the minus strand). VCF-style: chr5-13902095-T-C. GRCh37 (hg19) VCF-style: chr5-13902204-T-C.
Other names: short protein forms Q563R.
Identifiers: ClinVar variation 3708392 (VCV003708392.1).

ClinVar aggregate classification (germline): Uncertain significance (1 of 4 stars; one submission).

Conditions:
Primary ciliary dyskinesia. Also called: Ciliary dyskinesia. Identifiers: Orphanet 244, MedGen C0008780, MONDO:0016575, HP:0012265.

gnomAD v4.1: 3 of 1,609,700 alleles (0.00019%); highest among the groups gnomAD compares: Non-Finnish European, 0.00017%; no homozygotes.

Submission:

Labcorp Genetics (formerly Invitae), Labcorp
Classification: Uncertain significance for Primary ciliary dyskinesia. Last evaluated: 2024-09-24. Review status: criteria provided, single submitter. Criteria: Invitae Variant Classification Sherloc (09022015). Collection method: clinical testing. Allele origin: germline.
Comment: This sequence change replaces glutamine, which is neutral and polar, with arginine, which is basic and polar, at codon 563 of the DNAH5 protein (p.Gln563Arg). This variant is not present in population databases (gnomAD no frequency). This variant has not been reported in the literature in individuals affected with DNAH5-related conditions. Invitae Evidence Modeling of protein sequence and biophysical properties (such as structural, functional, and spatial information, amino acid conservation, physicochemical variation, residue mobility, and thermodynamic stability) indicates that this missense variant is not expected to disrupt DNAH5 protein function with a negative predictive value of 95%. In summary, the available evidence is currently insufficient to determine the role of this variant in disease. Therefore, it has been classified as a Variant of Uncertain Significance.